The following is an entry in ClinVar:

ClinVar aggregate classification (germline): Pathogenic (1 of 4 stars; one submission).

Conditions:
Marfan syndrome (MFS). Also called: FBN1-Related Marfan Syndrome; MARFAN SYNDROME, TYPE I; Marfan syndrome type 1; Marfan's syndrome; Marfan syndrome, classic. Identifiers: Orphanet 284963, Orphanet 558, MedGen C0024796, MONDO:0007947, OMIM 154700.
Familial thoracic aortic aneurysm and aortic dissection (TAAD). Also called: Thoracic aortic aneurysms and dissections. Identifiers: Orphanet 91387, MedGen C4707243, MONDO:0019625.

Submission:

Labcorp Genetics (formerly Invitae), Labcorp
Classification: Pathogenic for Marfan syndrome; Familial thoracic aortic aneurysm and aortic dissection. Last evaluated: 2019-03-04. Review status: criteria provided, single submitter. Criteria: Invitae Variant Classification Sherloc (09022015). Collection method: clinical testing. Allele origin: germline.
Comment: For these reasons, this variant has been classified as Pathogenic. Loss-of-function variants in FBN1 are known to be pathogenic (PMID: 17657824, 19293843). This variant has not been reported in the literature in individuals with FBN1-related conditions. This variant is not present in population databases (ExAC no frequency). This sequence change creates a premature translational stop signal (p.Cys2522Leufs*3) in the FBN1 gene. It is expected to result in an absent or disrupted protein product.

Literature cited by the submitters: PubMed 17657824; PubMed 19293843.

NM_000138.5(FBN1):c.7563_7570delinsGTTGGA (p.Cys2522fs)

Gene: FBN1 (fibrillin 1; minus strand). Cytogenetic location: 15q21.1.
Variant type: Indel.
Coding change: c.7563_7570delinsGTTGGA on transcript NM_000138.5 (MANE Select); coding-DNA positions 7563 to 7570, CTGCATTG replaced by GTTGGA.
Protein change: p.Cys2522fs; shifts the reading frame from cysteine 2522.
Molecular consequence: frameshift variant.
Genome position (GRCh38, 1-based): chr15:48,421,952-48,421,959, CAATGCAG replaced by TCCAAC on the plus strand (CTGCATTG replaced by GTTGGA on the coding strand, the reverse complement: FBN1 is on the minus strand). VCF-style: chr15-48421952-CAATGCAG-TCCAAC. GRCh37 (hg19) VCF-style: chr15-48714149-CAATGCAG-TCCAAC.
Other names: short protein forms C2522fs.
Identifiers: ClinVar variation 968106 (VCV000968106.5), dbSNP rs2042946001, ClinGen allele CA1139663916.